The following is an entry in ClinVar:

NM_001042475.3(CEP85L):c.768_769del (p.Tyr256_Ser257delinsTer)

Gene: CEP85L (centrosomal protein 85L; minus strand). Cytogenetic location: 6q22.31.
Variant type: Microsatellite.
Coding change: c.768_769del on transcript NM_001042475.3 (MANE Select); coding-DNA positions 768 to 769, 2 bases deleted (TA; older notation c.768_769delTA).
Protein change: p.Tyr256_Ser257delinsTer.
Molecular consequence: nonsense.
Genome position (GRCh38, 1-based): chr6:118,565,780-118,565,781, TA deleted on the plus strand (TA on the coding strand, the reverse complement: CEP85L is on the minus strand); deleting any 2 consecutive bases within chr6:118,565,780-118,565,784 gives the same sequence; the c. name uses the placement nearest the transcript's 3' end. VCF-style (leftmost placement, unchanged base first): chr6-118565779-CTA-C. GRCh37 (hg19) VCF-style: chr6-118886942-CTA-C.
Other names: c.768_769delTA (NM_001042475.3); c.777_778del, p.Tyr259_Ser260delinsTer (NM_001178035.2); c.768_769del, p.Tyr256_Ser257delinsTer (NM_206921.3).
Identifiers: ClinVar variation 4847682 (VCV004847682.1).

ClinVar aggregate classification (germline): Uncertain significance (1 of 4 stars; one submission).

Submission:

Women's Health and Genetics/Laboratory Corporation of America, LabCorp
Classification: Uncertain significance. Last evaluated: 2026-03-25. Review status: criteria provided, single submitter. Criteria: LabCorp Variant Classification Summary - May 2015. Collection method: clinical testing. Allele origin: germline.
Comment: Variant summary: CEP85L c.768_769delTA (p.Tyr256X) results in a premature termination codon, predicted to cause a truncation of the encoded protein or absence of the protein due to nonsense mediated decay, however current evidence is not sufficient to establish loss of function as a mechanism for disease. The variant was absent in 251322 control chromosomes. The available data on variant occurrences in the general population are insufficient to allow any conclusion about variant significance. To our knowledge, no occurrence of c.768_769delTA in individuals affected with CEP85L-related conditions and no experimental evidence demonstrating its impact on protein function have been reported. No submitters have cited clinical-significance assessments for this variant to ClinVar. Based on the evidence outlined above, the variant was classified as uncertain significance.